The following is an entry in ClinVar:

NM_004259.7(RECQL5):c.2330T>C (p.Leu777Pro)

Gene: RECQL5 (RecQ like helicase 5; minus strand). Cytogenetic location: 17q25.1.
Variant type: single nucleotide variant.
Coding change: c.2330T>C on transcript NM_004259.7 (MANE Select); coding-DNA position 2330, T replaced by C.
Protein change: p.Leu777Pro; replaces leucine 777 with proline.
Molecular consequence: missense variant.
Genome position (GRCh38, 1-based): chr17:75,629,093, A>G on the plus strand (T>C on the coding strand, the complement: RECQL5 is on the minus strand). VCF-style: chr17-75629093-A-G. GRCh37 (hg19) VCF-style: chr17-73625173-A-G.
Other names: short protein forms L777P.
Identifiers: ClinVar variation 3048581 (VCV003048581.2), dbSNP rs34354281, ClinGen allele CA8767095.
Genomic context (GRCh38, chr17:75,629,093, plus strand): 5'-GGTCCCTGAACCCCCTCACAGGAGGGGCAGGCACCTTCTGCCTCTGGGGCTGATGCCAGC[A>G]GAGCTGGGCTTTCCACCCTTCGGCAGAAGAAGCGGGCGATGCTCTGAGAATCCTTGTGGG-3'
Protein context (NP_004250.4, residues 767-787): FFCRRVESPA[Leu777Pro]LASAPEAEGA

ClinVar aggregate classification (germline): Likely benign (0 of 4 stars; one submission).

Conditions:
RECQL5-related disorder. Also called: RECQL5-related condition.

Allele frequency attached by ClinVar (database versions not stated): gnomAD exomes 0.00020; ExAC 0.00057; gnomAD 0.00188; 1000 Genomes Project 0.00200; ESP Exome Variant Server 0.00207; TOPMed 0.00274.

Submission:

PreventionGenetics, part of Exact Sciences
Classification: Likely benign for RECQL5-related condition. Last evaluated: 2022-03-01. Review status: no assertion criteria provided. Collection method: clinical testing. Allele origin: germline.
Comment: This variant is classified as likely benign based on ACMG/AMP sequence variant interpretation guidelines (Richards et al. 2015 PMID: 25741868, with internal and published modifications).